The following is an entry in ClinVar:

ClinVar aggregate classification (germline): Likely benign (1 of 4 stars; one submission).

Allele frequency attached by ClinVar (database versions not stated): gnomAD exomes below 0.00001; ExAC 0.00005.

Submission:

CeGaT Center for Human Genetics Tuebingen
Classification: Likely benign. Last evaluated: 2023-03-01. Review status: criteria provided, single submitter. Criteria: CeGaT Center For Human Genetics Tuebingen Variant Classification Criteria Version 2. Collection method: clinical testing. Allele origin: germline. Affected: yes. Observed: 1 variant allele.
Comment: AHNAK2: BP4, BP7

NM_138420.4(AHNAK2):c.10335C>T (p.Ala3445=)

Gene: AHNAK2 (AHNAK nucleoprotein 2; minus strand). Cytogenetic location: 14q32.33.
Variant type: single nucleotide variant.
Coding change: c.10335C>T on transcript NM_138420.4 (MANE Select); coding-DNA position 10335, C replaced by T.
Protein change: p.Ala3445=; no amino-acid change (alanine 3445 retained).
Molecular consequence: synonymous variant.
Genome position (GRCh38, 1-based): chr14:104,945,116, G>A on the plus strand (C>T on the coding strand, the complement: AHNAK2 is on the minus strand). VCF-style: chr14-104945116-G-A. GRCh37 (hg19) VCF-style: chr14-105411453-G-A.
Other names: c.10035C>T, p.Ala3345= (NM_001350929.2).
Identifiers: ClinVar variation 2644674 (VCV002644674.24), dbSNP rs746385228, ClinGen allele CA7379197.
Genomic context (GRCh38, chr14:104,945,116, plus strand): 5'-ATCCTTTTCAGCCAGGGACAGGTCCCCCTCCAGCCGCGCACCATCCAGCTTGGCTCTCGG[G>A]GCCTGGACGTCCACCTCCACGCTGGGCAGAGACACCTCCACATCAGGGACTGTCACTTCC-3'
Protein context (NP_612429.2, residues 3435-3455): SLPSVEVDVQ[Ala3445=]PRAKLDGARL